The following is an entry in ClinVar:

NM_000051.4(ATM):c.7308-10T>C

Genes: ATM (ATM serine/threonine kinase; plus strand), C11orf65 (chromosome 11 open reading frame 65; minus strand). Cytogenetic location: 11q22.3.
Variant type: single nucleotide variant.
Coding change: c.7308-10T>C on transcript NM_000051.4 (MANE Select); 10 bases into the intron before coding-DNA position 7308, T replaced by C.
Molecular consequence: intron variant.
Genome position (GRCh38, 1-based): chr11:108,330,204, T>C. VCF-style: chr11-108330204-T-C. GRCh37 (hg19) VCF-style: chr11-108200931-T-C.
Other names: c.7308-10T>C (NM_001351834.2); c.641-21133A>G (NM_001330368.2); c.*38+5016A>G (NM_001351110.2).
Identifiers: ClinVar variation 407652 (VCV000407652.16), dbSNP rs745319720, ClinGen allele CA16613427.

ClinVar aggregate classification (germline): Likely benign. Review status: criteria provided, multiple submitters, no conflicts (2 of 4 stars). 4 submissions from 4 submitters: Likely benign (4). Last evaluated 2024-06-13.

Conditions:
Hereditary cancer-predisposing syndrome. Also called: Neoplastic Syndromes, Hereditary; Hereditary Cancer Syndrome; Tumor predisposition; Hereditary neoplastic syndrome. Identifiers: Orphanet 140162, MedGen C0027672, MeSH D009386, MONDO:0015356.
Familial cancer of breast. Also called: Hereditary breast cancer; BREAST CANCER, FAMILIAL; hereditary breast carcinoma. Identifiers: Orphanet 227535, MedGen C0346153, MONDO:0016419, OMIM 114480. Disease mechanism: loss of function.
Ataxia-telangiectasia syndrome (AT). Also called: LOUIS-BAR SYNDROME; Cerebello-oculocutaneous telangiectasia; Immunodeficiency with ataxia telangiectasia; Ataxia-telangiectasia, complementation group D; AT, COMPLEMENTATION GROUP C; Ataxia-telangiectasia, complementation group E. Identifiers: Orphanet 100, MedGen C0004135, MONDO:0008840, OMIM 208900.

Submissions (4):

Myriad Genetics, Inc.
Classification: Likely benign for Familial cancer of breast. Last evaluated: 2024-06-13. Review status: criteria provided, single submitter. Criteria: Myriad Autosomal Dominant, Autosomal Recessive and X-Linked Classification Criteria (2023). Collection method: clinical testing. Allele origin: unknown.
Comment: This variant is considered likely benign. This variant is intronic and is not expected to impact mRNA splicing.

Labcorp Genetics (formerly Invitae), Labcorp
Classification: Likely benign for Ataxia-telangiectasia syndrome. Last evaluated: 2023-03-14. Review status: criteria provided, single submitter. Criteria: Invitae Variant Classification Sherloc (09022015). Collection method: clinical testing. Allele origin: germline.

Color Diagnostics, LLC DBA Color Health
Classification: Likely benign for Hereditary cancer-predisposing syndrome. Last evaluated: 2022-10-10. Review status: criteria provided, single submitter. Criteria: ACMG Guidelines, 2015. Collection method: clinical testing. Allele origin: germline.

GeneDx
Classification: Likely benign. Last evaluated: 2017-03-16. Review status: criteria provided, single submitter. Criteria: GeneDx Variant Classification (06012015). Collection method: clinical testing. Allele origin: germline. Affected: yes.
Comment: This variant is considered likely benign or benign based on one or more of the following criteria: it is a conservative change, it occurs at a poorly conserved position in the protein, it is predicted to be benign by multiple in silico algorithms, and/or has population frequency not consistent with disease.